The following is an entry in ClinVar:

ClinVar aggregate classification (germline): Uncertain significance. Review status: criteria provided, multiple submitters, no conflicts (2 of 4 stars). 3 submissions from 3 submitters: Uncertain significance (3). Last evaluated 2024-10-10.

Conditions:
Hereditary cancer-predisposing syndrome. Also called: Neoplastic Syndromes, Hereditary; Tumor predisposition; Hereditary Cancer Syndrome; Hereditary neoplastic syndrome. Identifiers: Orphanet 140162, MedGen C0027672, MeSH D009386, MONDO:0015356.
Hereditary breast ovarian cancer syndrome. Also called: Breast and ovarian cancer; Hereditary breast and ovarian cancer; Hereditary breast and/or ovarian cancer syndrome; BRCA1- and BRCA2-Associated Hereditary Breast and Ovarian Cancer; Hereditary breast and ovarian cancer syndrome; Hereditary breast and ovarian cancer syndrome (HBOC). Identifiers: Orphanet 145, MedGen C0677776, MeSH D061325, MONDO:0003582. Disease mechanism: loss of function.

Submissions (3):

Ambry Genetics
Classification: Uncertain significance for Hereditary cancer-predisposing syndrome. Last evaluated: 2024-10-10. Review status: criteria provided, single submitter. Criteria: Ambry Variant Classification Scheme 2023. Collection method: clinical testing. Allele origin: germline.
Comment: The p.V2333I variant (also known as c.6997G>A), located in coding exon 12 of the BRCA2 gene, results from a G to A substitution at nucleotide position 6997. The valine at codon 2333 is replaced by isoleucine, an amino acid with highly similar properties. This amino acid position is poorly conserved in available vertebrate species. In addition, this alteration is predicted to be tolerated by in silico analysis. Based on the available evidence, the clinical significance of this variant remains unclear.

Labcorp Genetics (formerly Invitae), Labcorp
Classification: Uncertain significance for Hereditary breast ovarian cancer syndrome. Last evaluated: 2020-11-16. Review status: criteria provided, single submitter. Criteria: Invitae Variant Classification Sherloc (09022015). Collection method: clinical testing. Allele origin: germline.
Comment: This sequence change replaces valine with isoleucine at codon 2333 of the BRCA2 protein (p.Val2333Ile). The valine residue is weakly conserved and there is a small physicochemical difference between valine and isoleucine. This variant is not present in population databases (ExAC no frequency) and has not been reported in the literature in individuals with a BRCA2-related disease. ClinVar contains an entry for this variant (Variation ID: 141562). Algorithms developed to predict the effect of missense changes on protein structure and function (SIFT, PolyPhen-2, Align-GVGD) all suggest that this variant is likely to be tolerated, but these predictions have not been confirmed by published functional studies. In summary, this variant is a rare missense change that is not predicted to affect protein function. There is no indication that it causes disease, but the available evidence is currently insufficient to prove that conclusively. Therefore, it has been classified as a Variant of Uncertain Significance.

GeneDx
Classification: Uncertain significance. Last evaluated: 2020-08-25. Review status: criteria provided, single submitter. Criteria: GeneDx Variant Classification Process June 2021. Collection method: clinical testing. Allele origin: germline. Affected: yes.
Comment: Not observed in large population cohorts (Lek 2016); In silico analysis supports that this missense variant does not alter protein structure/function; Has not been previously published as pathogenic or benign to our knowledge; Also known as 7225G>A

NM_000059.4(BRCA2):c.6997G>A (p.Val2333Ile)

Gene: BRCA2 (BRCA2 DNA repair associated; plus strand). Cytogenetic location: 13q13.1.
Variant type: single nucleotide variant.
Coding change: c.6997G>A on transcript NM_000059.4 (MANE Select); coding-DNA position 6997, G replaced by A.
Protein change: p.Val2333Ile; replaces valine 2333 with isoleucine.
Molecular consequence: missense variant.
Genome position (GRCh38, 1-based): chr13:32,346,886, G>A. VCF-style: chr13-32346886-G-A. GRCh37 (hg19) VCF-style: chr13-32921023-G-A.
Other names: short protein forms V2333I.
Identifiers: ClinVar variation 141562 (VCV000141562.15), dbSNP rs587781842, ClinGen allele CA024688.